The following is an entry in ClinVar:

NM_152564.5(VPS13B):c.7974C>T (p.Asn2658=)

Gene: VPS13B (vacuolar protein sorting 13 homolog B; plus strand). Cytogenetic location: 8q22.2.
Variant type: single nucleotide variant.
Coding change: c.7974C>T on transcript NM_152564.5 (MANE Select); coding-DNA position 7974, C replaced by T.
Protein change: p.Asn2658=; no amino-acid change (asparagine 2658 retained).
Molecular consequence: synonymous variant.
Genome position (GRCh38, 1-based): chr8:99,809,407, C>T. VCF-style: chr8-99809407-C-T. GRCh37 (hg19) VCF-style: chr8-100821635-C-T.
Other names: c.8049C>T, p.Asn2683= (NM_017890.5); c.7974C>T (NM_152564.4).
Identifiers: ClinVar variation 1091153 (VCV001091153.10), dbSNP rs756420442, ClinGen allele CA182322282.

ClinVar aggregate classification (germline): Likely benign. Review status: criteria provided, multiple submitters, no conflicts (2 of 4 stars). 2 submissions from 2 submitters: Likely benign (2). Last evaluated 2026-01-28.

Conditions:
Cohen syndrome (COH1). Also called: Cutis verticis gyrata, retinitis pigmentosa, and sensorineural deafness; PEPPER SYNDROME. Identifiers: Orphanet 193, MedGen C0265223, MONDO:0008999, OMIM 216550.
VPS13B-related disorder. Also called: VPS13B-related condition.

Allele frequency attached by ClinVar (database versions not stated): gnomAD exomes below 0.00001 and 0.00001; gnomAD 0.00001; TOPMed 0.00001.
gnomAD v4.1: 11 of 1,613,864 alleles (0.00068%); highest among the groups gnomAD compares: Non-Finnish European, 0.00093%; no homozygotes.

Submissions (2):

Labcorp Genetics (formerly Invitae), Labcorp
Classification: Likely benign for Cohen syndrome. Last evaluated: 2026-01-28. Review status: criteria provided, single submitter. Criteria: Invitae Variant Classification Sherloc (09022015). Collection method: clinical testing. Allele origin: germline.

PreventionGenetics, part of Exact Sciences
Classification: Likely benign for VPS13B-related condition. Last evaluated: 2025-03-24. Review status: criteria provided, single submitter. Criteria: ACMG Guidelines, 2015. Collection method: clinical testing. Allele origin: germline.
Comment: This variant is classified as likely benign based on ACMG/AMP sequence variant interpretation guidelines (Richards et al. 2015 PMID: 25741868, with internal and published modifications).